The following is an entry in ClinVar:

NM_000038.6(APC):c.4907dup (p.Asp1636fs)

Gene: APC (APC regulator of Wnt signaling pathway; plus strand). Cytogenetic location: 5q22.2.
Variant type: Duplication.
Coding change: c.4907dup on transcript NM_000038.6 (MANE Select); coding-DNA position 4907, one base duplicated (A; older notation c.4907dupA).
Protein change: p.Asp1636fs; shifts the reading frame from aspartic acid 1636.
Molecular consequence: frameshift variant. On other transcripts: non-coding transcript variant (2).
Genome position (GRCh38, 1-based): chr5:112,840,501, A duplicated. VCF-style (leftmost placement, unchanged base first): chr5-112840500-G-GA. GRCh37 (hg19) VCF-style: chr5-112176197-G-GA.
Other names: c.4907dup, p.Asp1636fs (NM_001127510.3, NM_001354895.2, NM_001407450.1); c.4853dup, p.Asp1618fs (NM_001127511.3); c.4961dup, p.Asp1654fs (NM_001354896.2, NM_001407447.1, NM_001407448.1 and 1 more transcripts); c.4937dup, p.Asp1646fs (NM_001354897.2); c.4832dup, p.Asp1611fs (NM_001354898.2); c.4823dup, p.Asp1608fs (NM_001354899.2); c.4784dup, p.Asp1595fs (NM_001354900.2); c.4730dup, p.Asp1577fs (NM_001354901.2, NM_001407453.1); and 11 more; short protein forms D1252fs, D1353fs, D1476fs, D1507fs, D1510fs, D1535fs, D1545fs, D1553fs.
Identifiers: ClinVar variation 2584196 (VCV002584196.2), dbSNP rs2533607759, ClinGen allele CA2582341394.

ClinVar aggregate classification (germline): Pathogenic (1 of 4 stars; one submission).

Conditions:
Familial adenomatous polyposis 1 (FAP1). Also called: FAMILIAL ADENOMATOUS POLYPOSIS 1, ATTENUATED; POLYPOSIS, ADENOMATOUS INTESTINAL. Identifiers: MedGen C2713442, MONDO:0021056, OMIM 175100. Disease mechanism: loss of function.

Submission:

Myriad Genetics, Inc.
Classification: Pathogenic for Familial adenomatous polyposis 1. Last evaluated: 2023-05-12. Review status: criteria provided, single submitter. Criteria: Myriad Autosomal Dominant, Autosomal Recessive and X-Linked Classification Criteria (2023). Collection method: clinical testing. Allele origin: unknown.
Comment: This variant is considered pathogenic. This variant creates a frameshift predicted to result in premature protein truncation.